The following is an entry in ClinVar:

ClinVar aggregate classification (germline): Uncertain significance (1 of 4 stars; one submission).

Conditions:
Cardiovascular phenotype. Identifiers: MedGen CN230736.

Submission:

Ambry Genetics
Classification: Uncertain significance for Cardiovascular phenotype. Last evaluated: 2021-12-19. Review status: criteria provided, single submitter. Criteria: Ambry Variant Classification Scheme 2023. Collection method: clinical testing. Allele origin: germline.
Comment: The c.10192_10193delGAinsTT (p.E3398L) alteration, located in exon 14 (coding exon 14) of the ALMS1 gene, consists of an in-frame substitution of 2 nucleotides from position 10192 to 10193, resulting in the insertion of 1 residue. Based on insufficient or conflicting evidence, the clinical significance of this alteration remains unclear.

NM_001378454.1(ALMS1):c.10189_10190delinsTT (p.Glu3397Leu)

Gene: ALMS1 (ALMS1 centrosome and basal body associated protein; plus strand). Cytogenetic location: 2p13.1.
Variant type: Indel.
Coding change: c.10189_10190delinsTT on transcript NM_001378454.1 (MANE Select); coding-DNA positions 10189 to 10190, GA replaced by TT.
Protein change: p.Glu3397Leu; replaces glutamic acid 3397 with leucine.
Molecular consequence: missense variant.
Genome position (GRCh38, 1-based): chr2:73,557,330-73,557,331, GA replaced by TT. VCF-style: chr2-73557330-GA-TT. GRCh37 (hg19) VCF-style: chr2-73784457-GA-TT.
Other names: c.10192_10193delinsTT, p.Glu3398Leu (NM_015120.4); c.10192_10193delGAinsTT (NM_015120.4); short protein forms E3397L, E3398L.
Identifiers: ClinVar variation 2263044 (VCV002263044.2), dbSNP rs2466402973, ClinGen allele CA2580068153.